The following is an entry in ClinVar:

NM_005045.4(RELN):c.2848C>G (p.Leu950Val)

Gene: RELN (reelin; minus strand). Cytogenetic location: 7q22.1.
Variant type: single nucleotide variant.
Coding change: c.2848C>G on transcript NM_005045.4 (MANE Select); coding-DNA position 2848, C replaced by G.
Protein change: p.Leu950Val; replaces leucine 950 with valine.
Molecular consequence: missense variant.
Genome position (GRCh38, 1-based): chr7:103,611,658, G>C on the plus strand (C>G on the coding strand, the complement: RELN is on the minus strand). VCF-style: chr7-103611658-G-C. GRCh37 (hg19) VCF-style: chr7-103252105-G-C.
Other names: c.2848C>G, p.Leu950Val (NM_173054.3); short protein forms L950V.
Identifiers: ClinVar variation 2949342 (VCV002949342.3), dbSNP rs2484752737, ClinGen allele CA368754260.

ClinVar aggregate classification (germline): Uncertain significance (1 of 4 stars; one submission).

Conditions:
Familial temporal lobe epilepsy 7. Identifiers: Orphanet 101046, MedGen C4225327, MONDO:0014639, OMIM 616436.
Norman-Roberts syndrome (LIS2). Also called: Lissencephaly 2 (Norman-Roberts type). Identifiers: Orphanet 89844, MedGen C0796089, MONDO:0009760, OMIM 257320.

Submission:

Labcorp Genetics (formerly Invitae), Labcorp
Classification: Uncertain significance for Familial temporal lobe epilepsy 7; Norman-Roberts syndrome. Last evaluated: 2023-06-27. Review status: criteria provided, single submitter. Criteria: Invitae Variant Classification Sherloc (09022015). Collection method: clinical testing. Allele origin: germline.
Comment: In summary, the available evidence is currently insufficient to determine the role of this variant in disease. Therefore, it has been classified as a Variant of Uncertain Significance. Advanced modeling of protein sequence and biophysical properties (such as structural, functional, and spatial information, amino acid conservation, physicochemical variation, residue mobility, and thermodynamic stability) performed at Invitae indicates that this missense variant is not expected to disrupt RELN protein function. This variant has not been reported in the literature in individuals affected with RELN-related conditions. This variant is not present in population databases (gnomAD no frequency). This sequence change replaces leucine, which is neutral and non-polar, with valine, which is neutral and non-polar, at codon 950 of the RELN protein (p.Leu950Val).